The following is an entry in ClinVar:

ClinVar aggregate classification (germline): Likely pathogenic (1 of 4 stars; one submission).

Conditions:
DICER1-related tumor predisposition. Also called: DICER1 syndrome; DICER1-related pleuropulmonary blastoma cancer predisposition syndrome. Identifiers: Orphanet 284343, MedGen C3839822, MONDO:0100216.

Submission:

Labcorp Genetics (formerly Invitae), Labcorp
Classification: Likely pathogenic for DICER1-related tumor predisposition. Last evaluated: 2024-07-08. Review status: criteria provided, single submitter. Criteria: Invitae Variant Classification Sherloc (09022015). Collection method: clinical testing. Allele origin: germline.
Comment: This sequence change affects an acceptor splice site in intron 25 of the DICER1 gene. It is expected to disrupt RNA splicing. Variants that disrupt the donor or acceptor splice site typically lead to a loss of protein function (PMID: 16199547), and loss-of-function variants in DICER1 are known to be pathogenic (PMID: 19556464, 21266384). This variant is not present in population databases (gnomAD no frequency). This variant has not been reported in the literature in individuals affected with DICER1-related conditions. ClinVar contains an entry for this variant (Variation ID: 2026118). Algorithms developed to predict the effect of sequence changes on RNA splicing suggest that this variant may disrupt the consensus splice site. In summary, the currently available evidence indicates that the variant is pathogenic, but additional data are needed to prove that conclusively. Therefore, this variant has been classified as Likely Pathogenic.

Literature cited by the submitters: PubMed 16199547; PubMed 19556464; PubMed 21266384.

NM_177438.3(DICER1):c.5528-1G>A

Gene: DICER1 (dicer 1, ribonuclease III; minus strand). Cytogenetic location: 14q32.13.
Variant type: single nucleotide variant.
Coding change: c.5528-1G>A on transcript NM_177438.3 (MANE Select); the canonical splice acceptor site of the intron before coding-DNA position 5528, G replaced by A.
Molecular consequence: splice acceptor variant.
Genome position (GRCh38, 1-based): chr14:95,091,110, C>T on the plus strand (G>A on the coding strand, the complement: DICER1 is on the minus strand). VCF-style: chr14-95091110-C-T. GRCh37 (hg19) VCF-style: chr14-95557447-C-T.
Other names: c.5528-1G>A (NM_001291628.2, NM_030621.4, NM_001395677.1 and 7 more transcripts); c.5123-1G>A (NM_001395690.1, NM_001395687.1, NM_001395689.1 and 1 more transcripts); c.5246-1G>A (NM_001395686.1); c.4961-1G>A (NM_001395691.1); c.3845-1G>A (NM_001395697.1); c.5365-1G>A (NM_001195573.1).
Identifiers: ClinVar variation 2026118 (VCV002026118.4), dbSNP rs2139773629, ClinGen allele CA390864449.